The following is an entry in ClinVar:

NM_001004127.3(ALG11):c.767T>C (p.Val256Ala)

Gene: ALG11 (ALG11 alpha-1,2-mannosyltransferase; plus strand). Cytogenetic location: 13q14.3.
Variant type: single nucleotide variant.
Coding change: c.767T>C on transcript NM_001004127.3 (MANE Select); coding-DNA position 767, T replaced by C.
Protein change: p.Val256Ala; replaces valine 256 with alanine.
Molecular consequence: missense variant.
Genome position (GRCh38, 1-based): chr13:52,024,497, T>C. VCF-style: chr13-52024497-T-C. GRCh37 (hg19) VCF-style: chr13-52598633-T-C.
Other names: short protein forms V256A.
Identifiers: ClinVar variation 5005271 (VCV005005271.2).

ClinVar aggregate classification (germline): Uncertain significance (1 of 4 stars; one submission).

Conditions:
ALG11-congenital disorder of glycosylation. Also called: CONGENITAL DISORDER OF GLYCOSYLATION, TYPE Ip; ALG11-CDG. Identifiers: Orphanet 280071, MedGen C3150913, MONDO:0013349, OMIM 613661.

Submission:

Juno Genomics, Hangzhou Juno Genomics, Inc
Classification: Uncertain significance for ALG11-congenital disorder of glycosylation. Review status: criteria provided, single submitter. Criteria: ACMG Guidelines, 2015. Collection method: clinical testing. Allele origin: germline.
Comment: Absent from controls (or at extremely low frequency if recessive) in Genome Aggregation Database.;Multiple lines of computational evidence support a deleterious effect on the gene or gene product.